The following is an entry in ClinVar:

NM_033026.6(PCLO):c.1186G>C (p.Gly396Arg)

Gene: PCLO (piccolo presynaptic cytomatrix protein; minus strand). Cytogenetic location: 7q21.11.
Variant type: single nucleotide variant.
Coding change: c.1186G>C on transcript NM_033026.6 (MANE Select); coding-DNA position 1186, G replaced by C.
Protein change: p.Gly396Arg; replaces glycine 396 with arginine.
Molecular consequence: missense variant.
Genome position (GRCh38, 1-based): chr7:83,155,455, C>G on the plus strand (G>C on the coding strand, the complement: PCLO is on the minus strand). VCF-style: chr7-83155455-C-G. GRCh37 (hg19) VCF-style: chr7-82784771-C-G.
Other names: c.1186G>C, p.Gly396Arg (NM_014510.3); short protein forms G396R.
Identifiers: ClinVar variation 1899354 (VCV001899354.3), dbSNP rs371446716, ClinGen allele CA161191140.

ClinVar aggregate classification (germline): Uncertain significance (1 of 4 stars; one submission).

Allele frequency attached by ClinVar (database versions not stated): gnomAD 0.00001; gnomAD exomes 0.00001; TOPMed 0.00002; ESP Exome Variant Server 0.00008.
gnomAD v4.1: 19 of 1,610,894 alleles (0.0012%); highest among the groups gnomAD compares: Non-Finnish European, 0.0016%; no homozygotes.

Submission:

Labcorp Genetics (formerly Invitae), Labcorp
Classification: Uncertain significance. Last evaluated: 2023-02-01. Review status: criteria provided, single submitter. Criteria: Invitae Variant Classification Sherloc (09022015). Collection method: clinical testing. Allele origin: germline.
Comment: In summary, the available evidence is currently insufficient to determine the role of this variant in disease. Therefore, it has been classified as a Variant of Uncertain Significance. Algorithms developed to predict the effect of missense changes on protein structure and function are either unavailable or do not agree on the potential impact of this missense change (SIFT: "Tolerated"; PolyPhen-2: "Probably Damaging"; Align-GVGD: "Class C0"). This variant has not been reported in the literature in individuals affected with PCLO-related conditions. This variant is present in population databases (rs371446716, gnomAD 0.0009%). This sequence change replaces glycine, which is neutral and non-polar, with arginine, which is basic and polar, at codon 396 of the PCLO protein (p.Gly396Arg).